The following is an entry in ClinVar:

ClinVar aggregate classification (germline): Uncertain significance (1 of 4 stars; one submission).

Allele frequency attached by ClinVar (database versions not stated): TOPMed below 0.00001; gnomAD 0.00001; ExAC 0.00002; gnomAD exomes 0.00005.

Submission:

Labcorp Genetics (formerly Invitae), Labcorp
Classification: Uncertain significance. Last evaluated: 2023-03-24. Review status: criteria provided, single submitter. Criteria: Invitae Variant Classification Sherloc (09022015). Collection method: clinical testing. Allele origin: germline.
Comment: In summary, the available evidence is currently insufficient to determine the role of this variant in disease. Therefore, it has been classified as a Variant of Uncertain Significance. An algorithm developed to predict the effect of missense changes on protein structure and function (PolyPhen-2) suggests that this variant is likely to be disruptive. This variant has not been reported in the literature in individuals affected with LRRC8A-related conditions. This variant is present in population databases (rs764169809, gnomAD 0.002%). This sequence change replaces glutamic acid, which is acidic and polar, with lysine, which is basic and polar, at codon 726 of the LRRC8A protein (p.Glu726Lys).

NM_019594.4(LRRC8A):c.2176G>A (p.Glu726Lys)

Gene: LRRC8A (leucine rich repeat containing 8 VRAC subunit A; plus strand). Cytogenetic location: 9q34.11.
Variant type: single nucleotide variant.
Coding change: c.2176G>A on transcript NM_019594.4 (MANE Select); coding-DNA position 2176, G replaced by A.
Protein change: p.Glu726Lys; replaces glutamic acid 726 with lysine.
Molecular consequence: missense variant.
Genome position (GRCh38, 1-based): chr9:128,916,114, G>A. VCF-style: chr9-128916114-G-A. GRCh37 (hg19) VCF-style: chr9-131678393-G-A.
Other names: c.2176G>A, p.Glu726Lys (NM_001127244.2, NM_001127245.2); short protein forms E726K.
Identifiers: ClinVar variation 2988188 (VCV002988188.3), dbSNP rs764169809, ClinGen allele CA5271034.